The following is an entry in ClinVar:

NM_015158.5(KANK1):c.3350C>T (p.Thr1117Ile)

Genes: KANK1 (KN motif and ankyrin repeat domains 1; plus strand), LOC126860554 (MED14-independent group 3 enhancer GRCh37_chr9:737889-739088; plus strand). Cytogenetic location: 9p24.3.
Variant type: single nucleotide variant.
Coding change: c.3350C>T on transcript NM_015158.5 (MANE Select); coding-DNA position 3350, C replaced by T.
Protein change: p.Thr1117Ile; replaces threonine 1117 with isoleucine.
Molecular consequence: missense variant. On other transcripts: non-coding transcript variant (1).
Genome position (GRCh38, 1-based): chr9:738,301, C>T. VCF-style: chr9-738301-C-T. GRCh37 (hg19) VCF-style: chr9-738301-C-T.
Other names: c.3350C>T, p.Thr1117Ile (NM_001256876.3, NM_001256877.3, NM_001354334.2); c.3110C>T, p.Thr1037Ile (NM_001354331.2); c.3296C>T, p.Thr1099Ile (NM_001354332.2); c.2876C>T, p.Thr959Ile (NM_001354333.2, NM_001354335.2, NM_001354337.2 and 2 more transcripts); c.2582C>T, p.Thr861Ile (NM_001354336.2); c.2822C>T, p.Thr941Ile (NM_001354338.2, NM_001354340.2, NM_001354344.2); c.2636C>T, p.Thr879Ile (NM_001354339.2, NM_001354342.2, NM_001354343.2); short protein forms T1117I, T959I, T1037I, T1099I, T861I, T941I, T879I.
Identifiers: ClinVar variation 1405903 (VCV001405903.8), dbSNP rs1372708173, ClinGen allele CA372759041.

ClinVar aggregate classification (germline): Uncertain significance (1 of 4 stars; one submission).

Allele frequency attached by ClinVar (database versions not stated): TOPMed 0.00003.

Submission:

Labcorp Genetics (formerly Invitae), Labcorp
Classification: Uncertain significance. Last evaluated: 2024-10-22. Review status: criteria provided, single submitter. Criteria: Invitae Variant Classification Sherloc (09022015). Collection method: clinical testing. Allele origin: germline.
Comment: This sequence change replaces threonine, which is neutral and polar, with isoleucine, which is neutral and non-polar, at codon 1117 of the KANK1 protein (p.Thr1117Ile). This variant is not present in population databases (gnomAD no frequency). This variant has not been reported in the literature in individuals affected with KANK1-related conditions. ClinVar contains an entry for this variant (Variation ID: 1405903). Invitae Evidence Modeling of protein sequence and biophysical properties (such as structural, functional, and spatial information, amino acid conservation, physicochemical variation, residue mobility, and thermodynamic stability) indicates that this missense variant is not expected to disrupt KANK1 protein function with a negative predictive value of 80%. In summary, the available evidence is currently insufficient to determine the role of this variant in disease. Therefore, it has been classified as a Variant of Uncertain Significance.